The following is an entry in ClinVar:

ClinVar aggregate classification (germline): Benign (1 of 4 stars; one submission).

Conditions:
Hypophosphatemic nephrolithiasis/osteoporosis 1. Identifiers: Orphanet 244305, MedGen C2676786, MONDO:0012850, OMIM 612286.

Allele frequency attached by ClinVar (database versions not stated): gnomAD exomes 0.00015; gnomAD 0.00022 and 0.00023; TOPMed 0.00043; 1000 Genomes Project 0.00060; 1000 Genomes Project 30x 0.00062.

Submission:

Illumina Laboratory Services, Illumina
Classification: Benign for Hypophosphatemic nephrolithiasis/osteoporosis 1. Last evaluated: 2018-01-12. Review status: criteria provided, single submitter. Criteria: ICSL Variant Classification Criteria 13 December 2019. Collection method: clinical testing. Allele origin: germline.
Comment: This variant was observed in the ICSL laboratory as part of a predisposition screen in an ostensibly healthy population. It had not been previously curated by ICSL or reported in the Human Gene Mutation Database (HGMD: prior to June 1st, 2018), and was therefore a candidate for classification through an automated scoring system. Utilizing variant allele frequency, disease prevalence and penetrance estimates, and inheritance mode, an automated score was calculated to assess if this variant is too frequent to cause the disease. Based on the score and internal cut-off values, a variant classified as benign is not then subjected to further curation. The score for this variant resulted in a classification of benign for this disease.

NM_003052.5(SLC34A1):c.*315C>T

Gene: SLC34A1 (solute carrier family 34 member 1; plus strand). Cytogenetic location: 5q35.3.
Variant type: single nucleotide variant.
Coding change: c.*315C>T on transcript NM_003052.5 (MANE Select); 315 bases downstream of the stop codon, C replaced by T.
Molecular consequence: 3 prime UTR variant.
Genome position (GRCh38, 1-based): chr5:177,398,601, C>T. VCF-style: chr5-177398601-C-T. GRCh37 (hg19) VCF-style: chr5-176825602-C-T.
Identifiers: ClinVar variation 906756 (VCV000906756.4), dbSNP rs189282945, ClinGen allele CA132830741.